The following is an entry in ClinVar:

ClinVar aggregate classification (germline): Uncertain significance (1 of 4 stars; one submission).

Allele frequency attached by ClinVar (database versions not stated): ExAC 0.00001.
gnomAD v4.1: 1 of 1,613,514 alleles (0.000062%); highest among the groups gnomAD compares: Non-Finnish European, 0.000085%; no homozygotes.

Submission:

Labcorp Genetics (formerly Invitae), Labcorp
Classification: Uncertain significance. Last evaluated: 2023-01-11. Review status: criteria provided, single submitter. Criteria: Invitae Variant Classification Sherloc (09022015). Collection method: clinical testing. Allele origin: germline.
Comment: In summary, the available evidence is currently insufficient to determine the role of this variant in disease. Therefore, it has been classified as a Variant of Uncertain Significance. Algorithms developed to predict the effect of missense changes on protein structure and function are either unavailable or do not agree on the potential impact of this missense change (SIFT: "Deleterious"; PolyPhen-2: "Probably Damaging"; Align-GVGD: "Class C0"). This variant has not been reported in the literature in individuals affected with FBXO11-related conditions. This variant is present in population databases (rs773388275, gnomAD 0.0009%). This sequence change replaces serine, which is neutral and polar, with cysteine, which is neutral and slightly polar, at codon 429 of the FBXO11 protein (p.Ser429Cys).

NM_001190274.2(FBXO11):c.1286C>G (p.Ser429Cys)

Gene: FBXO11 (F-box protein 11; minus strand). Cytogenetic location: 2p16.3.
Variant type: single nucleotide variant.
Coding change: c.1286C>G on transcript NM_001190274.2 (MANE Select); coding-DNA position 1286, C replaced by G.
Protein change: p.Ser429Cys; replaces serine 429 with cysteine.
Molecular consequence: missense variant.
Genome position (GRCh38, 1-based): chr2:47,832,461, G>C on the plus strand (C>G on the coding strand, the complement: FBXO11 is on the minus strand). VCF-style: chr2-47832461-G-C. GRCh37 (hg19) VCF-style: chr2-48059600-G-C.
Other names: c.1034C>G, p.Ser345Cys (NM_001374325.1, NM_025133.4); short protein forms S429C, S345C.
Identifiers: ClinVar variation 2799791 (VCV002799791.3), dbSNP rs773388275, ClinGen allele CA1649870.